The following is an entry in ClinVar:

NM_001372044.2(SHANK3):c.3297C>T (p.Arg1099=)

Gene: SHANK3 (SH3 and multiple ankyrin repeat domains 3; plus strand). Cytogenetic location: 22q13.33.
Variant type: single nucleotide variant.
Coding change: c.3297C>T on transcript NM_001372044.2 (MANE Select); coding-DNA position 3297, C replaced by T.
Protein change: p.Arg1099=; no amino-acid change (arginine 1099 retained).
Molecular consequence: synonymous variant.
Genome position (GRCh38, 1-based): chr22:50,720,905, C>T. VCF-style: chr22-50720905-C-T. GRCh37 (hg19) VCF-style: chr22-51159333-C-T.
Other names: c.3072C>T, p.Arg1024= (NM_033517.1).
Identifiers: ClinVar variation 3046003 (VCV003046003.1), dbSNP rs1418594935, ClinGen allele CA515260626.

ClinVar aggregate classification (germline): Likely benign (1 of 4 stars; one submission).

Conditions:
SHANK3-related disorder. Also called: SHANK3-related condition.

Allele frequency attached by ClinVar (database versions not stated): TOPMed below 0.00001.

Submission:

PreventionGenetics, part of Exact Sciences
Classification: Likely benign for SHANK3-related condition. Last evaluated: 2024-02-23. Review status: criteria provided, single submitter. Criteria: ACMG Guidelines, 2015. Collection method: clinical testing. Allele origin: germline.
Comment: This variant is classified as likely benign based on ACMG/AMP sequence variant interpretation guidelines (Richards et al. 2015 PMID: 25741868, with internal and published modifications).